The following is an entry in ClinVar:

ClinVar aggregate classification (germline): Uncertain significance (1 of 4 stars; one submission).

Submission:

GeneDx
Classification: Uncertain significance. Last evaluated: 2022-06-03. Review status: criteria provided, single submitter. Criteria: GeneDx Variant Classification Process June 2021. Collection method: clinical testing. Allele origin: germline. Affected: yes.
Comment: Not observed at significant frequency in large population cohorts (gnomAD); In silico analysis supports that this missense variant has a deleterious effect on protein structure/function; Has not been previously published as pathogenic or benign to our knowledge

NM_001348323.3(TRIP12):c.1255C>T (p.Pro419Ser)

Gene: TRIP12 (thyroid hormone receptor interactor 12; minus strand). Cytogenetic location: 2q36.3.
Variant type: single nucleotide variant.
Coding change: c.1255C>T on transcript NM_001348323.3 (MANE Select); coding-DNA position 1255, C replaced by T.
Protein change: p.Pro419Ser; replaces proline 419 with serine.
Molecular consequence: missense variant.
Genome position (GRCh38, 1-based): chr2:229,836,863, G>A on the plus strand (C>T on the coding strand, the complement: TRIP12 is on the minus strand). VCF-style: chr2-229836863-G-A. GRCh37 (hg19) VCF-style: chr2-230701579-G-A.
Other names: c.1255C>T, p.Pro419Ser (NM_001284214.2, NM_001348315.2, NM_001348319.1 and 13 more transcripts); c.1129C>T, p.Pro377Ser (NM_001284215.2, NM_001348316.2, NM_001348317.1 and 3 more transcripts); c.220C>T, p.Pro74Ser (NM_001284216.2); c.1168C>T, p.Pro390Ser (NM_001348332.1, NM_001348334.1); short protein forms P377S, P390S, P419S, P74S.
Identifiers: ClinVar variation 1803595 (VCV001803595.1), dbSNP rs749734828, ClinGen allele CA350884701.